The following is an entry in ClinVar:

ClinVar aggregate classification (germline): Likely benign. Review status: criteria provided, multiple submitters, no conflicts (2 of 4 stars). 2 submissions from 2 submitters: Likely benign (2). Last evaluated 2026-02-10.

Conditions:
STX3-related disorder. Also called: STX3-related condition.

Allele frequency attached by ClinVar (database versions not stated): gnomAD exomes 0.00003 and 0.00016; ExAC 0.00008; gnomAD 0.00011; TOPMed 0.00012.
gnomAD v4.1: 66 of 1,613,518 alleles (0.0041%); highest among the groups gnomAD compares: Admixed American, 0.11%; no homozygotes.

Submissions (2):

PreventionGenetics, part of Exact Sciences
Classification: Likely benign for STX3-related condition. Last evaluated: 2026-02-10. Review status: criteria provided, single submitter. Criteria: ACMG Guidelines, 2015. Collection method: clinical testing. Allele origin: germline.
Comment: This variant is classified as likely benign based on ACMG/AMP sequence variant interpretation guidelines (Richards et al. 2015 PMID: 25741868, with internal and published modifications).

Labcorp Genetics (formerly Invitae), Labcorp
Classification: Likely benign. Last evaluated: 2026-01-22. Review status: criteria provided, single submitter. Criteria: Invitae Variant Classification Sherloc (09022015). Collection method: clinical testing. Allele origin: germline.

NM_004177.5(STX3):c.723C>T (p.Asp241=)

Gene: STX3 (syntaxin 3; plus strand). Cytogenetic location: 11q12.1.
Variant type: single nucleotide variant.
Coding change: c.723C>T on transcript NM_004177.5 (MANE Select); coding-DNA position 723, C replaced by T.
Protein change: p.Asp241=; no amino-acid change (aspartic acid 241 retained).
Molecular consequence: synonymous variant.
Genome position (GRCh38, 1-based): chr11:59,795,419, C>T. VCF-style: chr11-59795419-C-T. GRCh37 (hg19) VCF-style: chr11-59562892-C-T.
Other names: c.723C>T, p.Asp241= (NM_001178040.3); c.723C>T (NM_004177.4).
Identifiers: ClinVar variation 1087737 (VCV001087737.10), dbSNP rs763227341, ClinGen allele CA6020989.